The following is an entry in ClinVar:

NM_000082.4(ERCC8):c.867dup (p.Asn290Ter)

Gene: ERCC8 (ERCC excision repair 8, CSA ubiquitin ligase complex subunit; minus strand). Cytogenetic location: 5q12.1.
Variant type: Duplication.
Coding change: c.867dup on transcript NM_000082.4 (MANE Select); coding-DNA position 867, one base duplicated (T; older notation c.867dupT).
Protein change: p.Asn290Ter; replaces asparagine 290 with a stop codon.
Molecular consequence: nonsense.
Genome position (GRCh38, 1-based): chr5:60,891,063, A duplicated on the plus strand (T on the coding strand, the reverse complement: ERCC8 is on the minus strand). VCF-style (leftmost placement, unchanged base first): chr5-60891062-T-TA. GRCh37 (hg19) VCF-style: chr5-60186889-T-TA.
Other names: c.693dup, p.Asn232Ter (NM_001007233.3); c.408dup, p.Asn137Ter (NM_001290285.2); short protein forms N137*, N232*, N290*.
Identifiers: ClinVar variation 2102658 (VCV002102658.4), dbSNP rs1748533233, ClinGen allele CA1549983043.

ClinVar aggregate classification (germline): Pathogenic (1 of 4 stars; one submission).

Allele frequency attached by ClinVar (database versions not stated): gnomAD exomes below 0.00001; TOPMed below 0.00001.

Submission:

Labcorp Genetics (formerly Invitae), Labcorp
Classification: Pathogenic. Last evaluated: 2023-06-24. Review status: criteria provided, single submitter. Criteria: Invitae Variant Classification Sherloc (09022015). Collection method: clinical testing. Allele origin: germline.
Comment: For these reasons, this variant has been classified as Pathogenic. ClinVar contains an entry for this variant (Variation ID: 2102658). This variant has not been reported in the literature in individuals affected with ERCC8-related conditions. This variant is not present in population databases (gnomAD no frequency). This sequence change creates a premature translational stop signal (p.Asn290*) in the ERCC8 gene. It is expected to result in an absent or disrupted protein product. Loss-of-function variants in ERCC8 are known to be pathogenic (PMID: 29572252).

Literature cited by the submitters: PubMed 29572252.